The following is an entry in ClinVar:

NM_182641.4(BPTF):c.248C>G (p.Ala83Gly)

Gene: BPTF (bromodomain PHD finger transcription factor; plus strand). Cytogenetic location: 17q24.2.
Variant type: single nucleotide variant.
Coding change: c.248C>G on transcript NM_182641.4 (MANE Select); coding-DNA position 248, C replaced by G.
Protein change: p.Ala83Gly; replaces alanine 83 with glycine.
Molecular consequence: missense variant.
Genome position (GRCh38, 1-based): chr17:67,825,972, C>G. VCF-style: chr17-67825972-C-G. GRCh37 (hg19) VCF-style: chr17-65822088-C-G.
Other names: c.248C>G, p.Ala83Gly (NM_004459.7); short protein forms A83G.
Identifiers: ClinVar variation 2630382 (VCV002630382.1), dbSNP rs2055965236, ClinGen allele CA400715567.

ClinVar aggregate classification (germline): Uncertain significance (1 of 4 stars; one submission).

Conditions:
BPTF-related disorder. Also called: BPTF-related condition.

Allele frequency attached by ClinVar (database versions not stated): TOPMed below 0.00001.

Submission:

PreventionGenetics, part of Exact Sciences
Classification: Uncertain significance for BPTF-related condition. Last evaluated: 2023-03-06. Review status: criteria provided, single submitter. Criteria: ACMG Guidelines, 2015. Collection method: clinical testing. Allele origin: germline.
Comment: The BPTF c.248C>G variant is predicted to result in the amino acid substitution p.Ala83Gly. To our knowledge, this variant has not been reported in the literature or in a large population database, indicating this variant is rare. At this time, the clinical significance of this variant is uncertain due to the absence of conclusive functional and genetic evidence.